The following is an entry in ClinVar:

ClinVar aggregate classification (germline): Likely benign. Review status: criteria provided, multiple submitters, no conflicts (2 of 4 stars). 5 submissions from 5 submitters: Likely benign (4). 1 of the submissions does not count toward it. Last evaluated 2025-12-27.

Conditions:
Inborn genetic diseases. Identifiers: MedGen C0950123, MeSH D030342.
SAMD9-related disorder. Also called: SAMD9-related condition.

Allele frequency attached by ClinVar (database versions not stated): gnomAD exomes 0.00009 and 0.00019; ExAC 0.00017; ESP Exome Variant Server 0.00062; gnomAD 0.00089 and 0.00096; TOPMed 0.00094; 1000 Genomes Project 0.00100; 1000 Genomes Project 30x 0.00141.
gnomAD v4.1: 264 of 1,613,464 alleles (0.016%); highest among the groups gnomAD compares: African/African-American, 0.29%; no homozygotes.

Submissions (5):

Labcorp Genetics (formerly Invitae), Labcorp
Classification: Likely benign. Last evaluated: 2025-12-27. Review status: criteria provided, single submitter. Criteria: Invitae Variant Classification Sherloc (09022015). Collection method: clinical testing. Allele origin: germline.

Blueprint Genetics
Classification: Likely benign. Last evaluated: 2024-10-09. Review status: criteria provided, single submitter. Criteria: ACMG Guidelines, 2015. Collection method: clinical testing. Allele origin: germline.

Ambry Genetics
Classification: Likely benign for Inborn genetic diseases. Last evaluated: 2024-10-05. Review status: criteria provided, single submitter. Criteria: Ambry Variant Classification Scheme 2023. Collection method: clinical testing. Allele origin: germline.

Genetic Services Laboratory, University of Chicago
Classification: Likely benign. Last evaluated: 2020-03-23. Review status: criteria provided, single submitter. Criteria: ACMG Guidelines, 2015. Collection method: clinical testing. Allele origin: germline. Affected: no.

PreventionGenetics, part of Exact Sciences
Classification: Likely benign for SAMD9-related condition. Last evaluated: 2021-05-03. Review status: no assertion criteria provided. Collection method: clinical testing. Allele origin: germline. Not counted in ClinVar's aggregate classification.
Comment: This variant is classified as likely benign based on ACMG/AMP sequence variant interpretation guidelines (Richards et al. 2015 PMID: 25741868, with internal and published modifications).

NM_017654.4(SAMD9):c.2556C>T (p.Ala852=)

Gene: SAMD9 (sterile alpha motif domain containing 9; minus strand). Cytogenetic location: 7q21.2.
Variant type: single nucleotide variant.
Coding change: c.2556C>T on transcript NM_017654.4 (MANE Select); coding-DNA position 2556, C replaced by T.
Protein change: p.Ala852=; no amino-acid change (alanine 852 retained).
Molecular consequence: synonymous variant.
Genome position (GRCh38, 1-based): chr7:93,103,542, G>A on the plus strand (C>T on the coding strand, the complement: SAMD9 is on the minus strand). VCF-style: chr7-93103542-G-A. GRCh37 (hg19) VCF-style: chr7-92732855-G-A.
Other names: c.2556C>T, p.Ala852= (NM_001193307.2).
Identifiers: ClinVar variation 738637 (VCV000738637.15), dbSNP rs150188038, ClinGen allele CA4342821.